The following is an entry in ClinVar:

ClinVar aggregate classification (germline): Uncertain significance (1 of 4 stars; one submission).

Conditions:
Myopathy with tubular aggregates (TAM). Also called: Tubular Aggregate Myopathy. Identifiers: Orphanet 2593, MedGen C0410207, MONDO:0008051.
Combined immunodeficiency due to STIM1 deficiency. Also called: STIM1 DEFICIENCY; IMMUNODEFICIENCY 10. Identifiers: Orphanet 169090, Orphanet 317430, MedGen C2748557, MONDO:0013008, OMIM 612783.
Stormorken syndrome (STRMK). Also called: THROMBOCYTOPATHY, ASPLENIA, AND MIOSIS. Identifiers: Orphanet 3204, MedGen C1861451, MONDO:0008497, OMIM 185070.

Allele frequency attached by ClinVar (database versions not stated): TOPMed 0.00001; gnomAD 0.00001; gnomAD exomes 0.00001.
gnomAD v4.1: 10 of 1,614,114 alleles (0.00062%); highest among the groups gnomAD compares: Middle Eastern, 0.016%; no homozygotes.

Submission:

Labcorp Genetics (formerly Invitae), Labcorp
Classification: Uncertain significance for Myopathy with tubular aggregates; Combined immunodeficiency due to STIM1 deficiency; Stormorken syndrome. Last evaluated: 2025-09-24. Review status: criteria provided, single submitter. Criteria: Invitae Variant Classification Sherloc (09022015). Collection method: clinical testing. Allele origin: germline.
Comment: This sequence change replaces arginine, which is basic and polar, with cysteine, which is neutral and slightly polar, at codon 532 of the STIM1 protein (p.Arg532Cys). This variant is present in population databases (rs202166909, gnomAD 0.003%). This variant has not been reported in the literature in individuals affected with STIM1-related conditions. ClinVar contains an entry for this variant (Variation ID: 847477). Invitae Evidence Modeling of protein sequence and biophysical properties (such as structural, functional, and spatial information, amino acid conservation, physicochemical variation, residue mobility, and thermodynamic stability) has been performed for this missense variant. However, the output from this modeling did not meet the statistical confidence thresholds required to predict the impact of this variant on STIM1 protein function. In summary, the available evidence is currently insufficient to determine the role of this variant in disease. Therefore, it has been classified as a Variant of Uncertain Significance.

NM_001382567.1(STIM1):c.1687C>T (p.Arg563Cys)

Gene: STIM1 (stromal interaction molecule 1; plus strand). Cytogenetic location: 11p15.4.
Variant type: single nucleotide variant.
Coding change: c.1687C>T on transcript NM_001382567.1 (MANE Select); coding-DNA position 1687, C replaced by T.
Protein change: p.Arg563Cys; replaces arginine 563 with cysteine.
Molecular consequence: missense variant. On other transcripts: 3 prime UTR variant (4), non-coding transcript variant (3).
Genome position (GRCh38, 1-based): chr11:4,091,334, C>T. VCF-style: chr11-4091334-C-T. GRCh37 (hg19) VCF-style: chr11-4112564-C-T.
Other names: c.1912C>T, p.Arg638Cys (NM_001277961.3); c.*8C>T (NM_001277962.2, NM_001382578.1, NM_001382579.1 and 1 more transcripts); c.1690C>T, p.Arg564Cys (NM_001382566.1); c.1615C>T, p.Arg539Cys (NM_001382568.1); c.1459C>T, p.Arg487Cys (NM_001382569.1); c.1366C>T, p.Arg456Cys (NM_001382570.1); c.1114C>T, p.Arg372Cys (NM_001382571.1); c.1372C>T, p.Arg458Cys (NM_001382575.1, NM_001382576.1, NM_001382577.1); and 2 more; short protein forms R532C, R638C, R369C, R372C, R456C, R458C, R487C, R539C.
Identifiers: ClinVar variation 847477 (VCV000847477.8), dbSNP rs202166909, ClinGen allele CA216533745.
Genomic context (GRCh38, chr11:4,091,334, plus strand): 5'-TCTTGCAGGGATTTGACCCATTCCGATTCGGAGTCCTCCCTCCACATGAGTGACCGCCAG[C>T]GTGTGGCCCCCAAACCTCCTCAGATGAGCCGTGCTGCAGACGAGGCTCTCAATGCCATGA-3'
Protein context (NP_001369496.1, residues 553-573): ESSLHMSDRQ[Arg563Cys]VAPKPPQMSR